The following is an entry in ClinVar:

ClinVar aggregate classification (germline): Uncertain significance (1 of 4 stars; one submission).

Conditions:
Developmental and epileptic encephalopathy, 9 (DEE9). Also called: Early infantile epileptic encephalopathy 9; EPILEPSY, FEMALE-RESTRICTED, WITH MENTAL RETARDATION; JUBERG-HELLMAN SYNDROME; PCDH19-Related X-Linked Female-Limited Epilepsy with Mental Retardation. Identifiers: Orphanet 101039, Orphanet 2076, MedGen C1848137, MONDO:0010246, OMIM 300088. Disease mechanism: loss of function.

gnomAD v4.1: 1 of 1,209,887 alleles (0.000083%); highest among the groups gnomAD compares: Admixed American, 0.0022%; no homozygotes.

Submission:

Labcorp Genetics (formerly Invitae), Labcorp
Classification: Uncertain significance for Developmental and epileptic encephalopathy, 9. Last evaluated: 2024-06-25. Review status: criteria provided, single submitter. Criteria: Invitae Variant Classification Sherloc (09022015). Collection method: clinical testing. Allele origin: germline.
Comment: This sequence change replaces isoleucine, which is neutral and non-polar, with methionine, which is neutral and non-polar, at codon 682 of the PCDH19 protein (p.Ile682Met). This variant is present in population databases (rs746378974, gnomAD 0.004%). This variant has not been reported in the literature in individuals affected with PCDH19-related conditions. Advanced modeling of protein sequence and biophysical properties (such as structural, functional, and spatial information, amino acid conservation, physicochemical variation, residue mobility, and thermodynamic stability) has been performed at Invitae for this missense variant, however the output from this modeling did not meet the statistical confidence thresholds required to predict the impact of this variant on PCDH19 protein function. In summary, the available evidence is currently insufficient to determine the role of this variant in disease. Therefore, it has been classified as a Variant of Uncertain Significance.

NM_001184880.2(PCDH19):c.2046T>G (p.Ile682Met)

Gene: PCDH19 (protocadherin 19; minus strand). Cytogenetic location: Xq22.1.
Variant type: single nucleotide variant.
Coding change: c.2046T>G on transcript NM_001184880.2 (MANE Select); coding-DNA position 2046, T replaced by G.
Protein change: p.Ile682Met; replaces isoleucine 682 with methionine.
Molecular consequence: missense variant.
Genome position (GRCh38, 1-based): chrX:100,406,552, A>C on the plus strand (T>G on the coding strand, the complement: PCDH19 is on the minus strand). VCF-style: chrX-100406552-A-C. GRCh37 (hg19) VCF-style: chrX-99661550-A-C.
Other names: c.2046T>G, p.Ile682Met (NM_001105243.2, NM_020766.3); short protein forms I682M.
Identifiers: ClinVar variation 3614063 (VCV003614063.2).